The following is an entry in ClinVar:

ClinVar aggregate classification (germline): Likely pathogenic. Review status: criteria provided, multiple submitters, no conflicts (2 of 4 stars). 3 submissions from 3 submitters: Likely pathogenic (2). 1 of the submissions does not count toward it. Last evaluated 2023-09-08.

Conditions:
Alpha-1-antitrypsin deficiency (A1ATD). Also called: Alpha1-Antitrypsin Deficiency; AAT deficiency; A1AT deficiency. Identifiers: Orphanet 60, MedGen C0221757, MONDO:0013282, OMIM 613490.

Allele frequency attached by ClinVar (database versions not stated): gnomAD exomes below 0.00001 and 0.00001; ExAC 0.00002; gnomAD 0.00005; TOPMed 0.00005.
gnomAD v4.1: 9 of 1,614,074 alleles (0.00056%); highest among the groups gnomAD compares: African/African-American, 0.008%; no homozygotes.

Submissions (3):

Labcorp Genetics (formerly Invitae), Labcorp
Classification: Likely pathogenic for Alpha-1-antitrypsin deficiency. Last evaluated: 2023-09-08. Review status: criteria provided, single submitter. Criteria: Invitae Variant Classification Sherloc (09022015). Collection method: clinical testing. Allele origin: germline.
Comment: In summary, the currently available evidence indicates that the variant is pathogenic, but additional data are needed to prove that conclusively. Therefore, this variant has been classified as Likely Pathogenic. Algorithms developed to predict the effect of sequence changes on RNA splicing suggest that this variant may disrupt the consensus splice site. ClinVar contains an entry for this variant (Variation ID: 371244). This variant has not been reported in the literature in individuals affected with SERPINA1-related conditions. This variant is present in population databases (rs112661131, gnomAD 0.01%). This sequence change affects a donor splice site in intron 2 of the SERPINA1 gene. It is expected to disrupt RNA splicing. Variants that disrupt the donor or acceptor splice site typically lead to a loss of protein function (PMID: 16199547), and loss-of-function variants in SERPINA1 are known to be pathogenic (PMID: 25425243).

Juno Genomics, Hangzhou Juno Genomics, Inc
Classification: Likely pathogenic for Alpha-1-antitrypsin deficiency. Review status: criteria provided, single submitter. Criteria: ACMG Guidelines, 2015. Collection method: clinical testing. Allele origin: germline.
Comment: Absent from controls (or at extremely low frequency if recessive) in Genome Aggregation Database.;Null variant in a gene where loss of function (LOF) is a known mechanism of disease.

Counsyl
Classification: Likely pathogenic for Alpha-1-antitrypsin deficiency. Last evaluated: 2016-08-04. Review status: no assertion criteria provided. Collection method: clinical testing. Allele origin: unknown. Not counted in ClinVar's aggregate classification.

Literature cited by the submitters: PubMed 16199547 (cited by Labcorp Genetics (formerly Invitae), Labcorp); PubMed 25425243 (cited by Labcorp Genetics (formerly Invitae), Labcorp).

NM_000295.5(SERPINA1):c.646+2T>C

Gene: SERPINA1 (serpin family A member 1; minus strand). Cytogenetic location: 14q32.13.
Variant type: single nucleotide variant.
Coding change: c.646+2T>C on transcript NM_000295.5 (MANE Select); the canonical splice donor site of the intron after coding-DNA position 646, T replaced by C.
Molecular consequence: splice donor variant.
Genome position (GRCh38, 1-based): chr14:94,382,590, A>G on the plus strand (T>C on the coding strand, the complement: SERPINA1 is on the minus strand). VCF-style: chr14-94382590-A-G. GRCh37 (hg19) VCF-style: chr14-94848927-A-G.
Other names: c.646+2T>C (NM_001002235.3, NM_001127707.2, NM_001127706.2 and 7 more transcripts).
Identifiers: ClinVar variation 371244 (VCV000371244.11), dbSNP rs112661131, ClinGen allele CA7327455.